The following is an entry in ClinVar:

ClinVar aggregate classification (germline): Uncertain significance (1 of 4 stars; one submission).

Allele frequency attached by ClinVar (database versions not stated): gnomAD exomes below 0.00001 and 0.00001; ExAC 0.00001; gnomAD 0.00003; TOPMed 0.00008; ESP Exome Variant Server 0.00015.
gnomAD v4.1: 6 of 1,612,212 alleles (0.00037%); highest among the groups gnomAD compares: African/African-American, 0.0067%; no homozygotes.

Submission:

Labcorp Genetics (formerly Invitae), Labcorp
Classification: Uncertain significance. Last evaluated: 2024-04-02. Review status: criteria provided, single submitter. Criteria: Invitae Variant Classification Sherloc (09022015). Collection method: clinical testing. Allele origin: germline.
Comment: This sequence change replaces tyrosine, which is neutral and polar, with histidine, which is basic and polar, at codon 536 of the ADGRA3 protein (p.Tyr536His). This variant is present in population databases (rs147996007, gnomAD 0.01%). This variant has not been reported in the literature in individuals affected with ADGRA3-related conditions. ClinVar contains an entry for this variant (Variation ID: 940974). An algorithm developed to predict the effect of missense changes on protein structure and function (PolyPhen-2) suggests that this variant is likely to be tolerated. In summary, the available evidence is currently insufficient to determine the role of this variant in disease. Therefore, it has been classified as a Variant of Uncertain Significance.

NM_145290.4(ADGRA3):c.1606T>C (p.Tyr536His)

Gene: ADGRA3 (adhesion G protein-coupled receptor A3; minus strand). Cytogenetic location: 4p15.2.
Variant type: single nucleotide variant.
Coding change: c.1606T>C on transcript NM_145290.4 (MANE Select); coding-DNA position 1606, T replaced by C.
Protein change: p.Tyr536His; replaces tyrosine 536 with histidine.
Molecular consequence: missense variant.
Genome position (GRCh38, 1-based): chr4:22,421,089, A>G on the plus strand (T>C on the coding strand, the complement: ADGRA3 is on the minus strand). VCF-style: chr4-22421089-A-G. GRCh37 (hg19) VCF-style: chr4-22422712-A-G.
Other names: short protein forms Y536H.
Identifiers: ClinVar variation 940974 (VCV000940974.7), dbSNP rs147996007, ClinGen allele CA2873891.